The following is an entry in ClinVar:

ClinVar aggregate classification (germline): Likely benign. Review status: criteria provided, multiple submitters, no conflicts (2 of 4 stars). 4 submissions from 4 submitters: Likely benign (4). Last evaluated 2025-06-14.

Conditions:
Primary dilated cardiomyopathy (DCM). Also called: Dilated Cardiomyopathy. Identifiers: Orphanet 217604, MedGen C0007193, MeSH D002311, MONDO:0005021, HP:0001644. Inheritance: Various modes of inheritance.
Cardiovascular phenotype. Identifiers: MedGen CN230736.
Charcot-Marie-Tooth disease type 2. Also called: Charcot-Marie-Tooth type 2. Identifiers: Orphanet 64746, MedGen C0270914, MONDO:0018993.
Cardiomyopathy (CMYO). Also called: Cardiomyopathies. Identifiers: Orphanet 167848, MedGen C0878544, MONDO:0004994, HP:0001638. Inheritance: Various modes of inheritance.

Allele frequency attached by ClinVar (database versions not stated): gnomAD 0.00002 and 0.00005; ExAC 0.00005; TOPMed 0.00006; gnomAD exomes 0.00004.
gnomAD v4.1: 56 of 1,612,108 alleles (0.0035%); highest among the groups gnomAD compares: East Asian, 0.12%; no homozygotes.

Submissions (4):

Labcorp Genetics (formerly Invitae), Labcorp
Classification: Likely benign for Charcot-Marie-Tooth disease type 2. Last evaluated: 2025-06-14. Review status: criteria provided, single submitter. Criteria: Invitae Variant Classification Sherloc (09022015). Collection method: clinical testing. Allele origin: germline.

All of Us Research Program, National Institutes of Health
Classification: Likely benign for Primary dilated cardiomyopathy. Last evaluated: 2024-04-16. Review status: criteria provided, single submitter. Criteria: ACMG Guidelines, 2015. Collection method: clinical testing. Allele origin: germline. Inheritance: Autosomal dominant inheritance. Observed: 2 variant alleles, 2 heterozygotes.
Comment: This study involves interpretation of variants in research participants for the purpose of population health screening. Participant phenotype was not available at the time of variant classification. Additional details can be found in publication PMID: 35346344, PMCID: PMC8962531

Ambry Genetics
Classification: Likely benign for Cardiovascular phenotype. Last evaluated: 2020-03-19. Review status: criteria provided, single submitter. Criteria: Ambry Variant Classification Scheme 2023. Collection method: clinical testing. Allele origin: germline.

Color Diagnostics, LLC DBA Color Health
Classification: Likely benign for Cardiomyopathy. Last evaluated: 2018-11-08. Review status: criteria provided, single submitter. Criteria: ACMG Guidelines, 2015. Collection method: clinical testing. Allele origin: germline.

NM_170707.4(LMNA):c.1236G>C (p.Gly412=)

Gene: LMNA (lamin A/C; plus strand). Cytogenetic location: 1q22.
Variant type: single nucleotide variant.
Coding change: c.1236G>C on transcript NM_170707.4 (MANE Select); coding-DNA position 1236, G replaced by C.
Protein change: p.Gly412=; no amino-acid change (glycine 412 retained).
Molecular consequence: synonymous variant.
Genome position (GRCh38, 1-based): chr1:156,136,292, G>C. VCF-style: chr1-156136292-G-C. GRCh37 (hg19) VCF-style: chr1-156106083-G-C.
Other names: c.900G>C, p.Gly300= (NM_001257374.3); c.993G>C, p.Gly331= (NM_001282624.2); c.1236G>C, p.Gly412= (NM_001282625.2, NM_001282626.2, NM_005572.4 and 1 more transcripts).
Identifiers: ClinVar variation 918624 (VCV000918624.14), dbSNP rs763537103, ClinGen allele CA049557.
Genomic context (GRCh38, chr1:156,136,292, plus strand): 5'-CCCTACCTCGCAGCGCAGCCGTGGCCGTGCTTCCTCTCACTCATCCCAGACACAGGGTGG[G>C]GGCAGCGTCACCAAAAAGCGCAAACTGGAGTCCACTGAGAGCCGCAGCAGCTTCTCACAG-3'
Protein context (NP_733821.1, residues 402-422): ASSHSSQTQG[Gly412=]GSVTKKRKLE